The following is an entry in ClinVar:

NM_000038.6(APC):c.1313-20A>C

Gene: APC (APC regulator of Wnt signaling pathway; plus strand). Cytogenetic location: 5q22.2.
Variant type: single nucleotide variant.
Coding change: c.1313-20A>C on transcript NM_000038.6 (MANE Select); 20 bases into the intron before coding-DNA position 1313, A replaced by C.
Molecular consequence: intron variant.
Genome position (GRCh38, 1-based): chr5:112,821,876, A>C. VCF-style: chr5-112821876-A-C. GRCh37 (hg19) VCF-style: chr5-112157573-A-C.
Other names: c.1343-20A>C (NM_001354897.2, NM_001407446.1); c.1040-20A>C (NM_001354902.2); c.1259-20A>C (NM_001127511.3); c.1313-20A>C (NM_001407448.1, NM_001407450.1, NM_001407449.1 and 4 more transcripts); c.1010-20A>C (NM_001407457.1, NM_001407458.1, NM_001407455.1 and 5 more transcripts); c.1136-20A>C (NM_001407453.1, NM_001354900.2, NM_001354901.2); c.1229-20A>C (NM_001354899.2, NM_001407452.1); c.1238-20A>C (NM_001407451.1, NM_001354898.2); and 5 more.
Identifiers: ClinVar variation 3148486 (VCV003148486.3), dbSNP rs2149791637, ClinGen allele CA2825001381.

ClinVar aggregate classification (germline): Likely benign. Review status: criteria provided, multiple submitters, no conflicts (2 of 4 stars). 2 submissions from 2 submitters: Likely benign (2). Last evaluated 2024-06-25.

Conditions:
Familial adenomatous polyposis 1 (FAP1). Also called: POLYPOSIS, ADENOMATOUS INTESTINAL; FAMILIAL ADENOMATOUS POLYPOSIS 1, ATTENUATED. Identifiers: MedGen C2713442, MONDO:0021056, OMIM 175100. Disease mechanism: loss of function.

Submissions (2):

Labcorp Genetics (formerly Invitae), Labcorp
Classification: Likely benign for Familial adenomatous polyposis 1. Last evaluated: 2024-06-25. Review status: criteria provided, single submitter. Criteria: Invitae Variant Classification Sherloc (09022015). Collection method: clinical testing. Allele origin: germline.

Myriad Genetics, Inc.
Classification: Likely benign for Familial adenomatous polyposis 1. Last evaluated: 2024-03-01. Review status: criteria provided, single submitter. Criteria: Myriad Autosomal Dominant, Autosomal Recessive and X-Linked Classification Criteria (2023). Collection method: clinical testing. Allele origin: unknown.
Comment: This variant is considered likely benign. This variant is intronic and is not expected to impact mRNA splicing.